The following is an entry in ClinVar:

ClinVar aggregate classification (germline): Conflicting classifications of pathogenicity. Review status: criteria provided, conflicting classifications (1 of 4 stars). 8 submissions from 8 submitters: Uncertain significance (7); Likely benign (1). Last evaluated 2025-08-09.

Conditions:
Cardiovascular phenotype. Identifiers: MedGen CN230736.
Alstrom syndrome (ALMS). Identifiers: Orphanet 64, MedGen C0268425, MONDO:0008763, OMIM 203800.

Allele frequency attached by ClinVar (database versions not stated): gnomAD 0.00004 and 0.00005; TOPMed 0.00004; gnomAD exomes 0.00006 and 0.00009; ExAC 0.00008; 1000 Genomes Project 30x 0.00016; 1000 Genomes Project 0.00020.
gnomAD v4.1: 147 of 1,609,806 alleles (0.0091%); highest among the groups gnomAD compares: South Asian, 0.057%; 1 homozygote.

Submissions (8):

GeneDx
Classification: Uncertain significance. Last evaluated: 2025-08-09. Review status: criteria provided, single submitter. Criteria: GeneDx Variant Classification Process June 2021. Collection method: clinical testing. Allele origin: germline. Affected: yes.
Comment: In silico analysis supports that this missense variant has a deleterious effect on protein structure/function; Has not been previously published as pathogenic or benign in association with an ALMS1-related disorder to our knowledge; This variant is associated with the following publications: (PMID: 37260775)

Ambry Genetics
Classification: Likely benign for Cardiovascular phenotype. Last evaluated: 2025-05-07. Review status: criteria provided, single submitter. Criteria: Ambry Variant Classification Scheme 2023. Collection method: clinical testing. Allele origin: germline.

Blueprint Genetics
Classification: Uncertain significance. Last evaluated: 2024-09-10. Review status: criteria provided, single submitter. Criteria: ACMG Guidelines, 2015. Collection method: clinical testing. Allele origin: germline.

ARUP Laboratories, Molecular Genetics and Genomics, ARUP Laboratories
Classification: Uncertain significance for Alstrom syndrome. Last evaluated: 2024-03-20. Review status: criteria provided, single submitter. Criteria: ARUP Molecular Germline Variant Investigation Process 2024. Collection method: clinical testing. Allele origin: germline.
Comment: The ALMS1 c.1420C>A; p.His474Asn variant (rs200454461), to our knowledge, is not reported in the medical literature but is reported in ClinVar (Variation ID: 459855). This variant is found in the South Asian population with an allele frequency of 0.04% (12/30596 alleles) in the Genome Aggregation Database (v2.1.1). Computational analyses predict that this variant is neutral (REVEL: 0.03). Due to limited information, the clinical significance of this variant is uncertain at this time.

Labcorp Genetics (formerly Invitae), Labcorp
Classification: Uncertain significance for Alstrom syndrome. Last evaluated: 2022-10-13. Review status: criteria provided, single submitter. Criteria: Invitae Variant Classification Sherloc (09022015). Collection method: clinical testing. Allele origin: germline.
Comment: This sequence change replaces histidine, which is basic and polar, with asparagine, which is neutral and polar, at codon 475 of the ALMS1 protein (p.His475Asn). This variant is present in population databases (rs200454461, gnomAD 0.05%). This variant has not been reported in the literature in individuals affected with ALMS1-related conditions. ClinVar contains an entry for this variant (Variation ID: 459855). Experimental studies and prediction algorithms are not available or were not evaluated, and the functional significance of this variant is currently unknown. In summary, the available evidence is currently insufficient to determine the role of this variant in disease. Therefore, it has been classified as a Variant of Uncertain Significance.

Fulgent Genetics
Classification: Uncertain significance for Alstrom syndrome. Last evaluated: 2022-02-04. Review status: criteria provided, single submitter. Criteria: ACMG Guidelines, 2015. Collection method: clinical testing. Allele origin: unknown.

Genome-Nilou Lab
Classification: Uncertain significance for Alstrom syndrome. Last evaluated: 2021-05-18. Review status: criteria provided, single submitter. Criteria: ACMG Guidelines, 2015. Collection method: clinical testing. Allele origin: germline. Affected: no.

Women's Health and Genetics/Laboratory Corporation of America, LabCorp
Classification: Uncertain significance. Last evaluated: 2021-02-01. Review status: criteria provided, single submitter. Criteria: LabCorp Variant Classification Summary - May 2015. Collection method: clinical testing. Allele origin: germline.
Comment: Variant summary: ALMS1 c.1420C>A (p.His474Asn) results in a conservative amino acid change in the encoded protein sequence. Three of four in-silico tools predict a benign effect of the variant on protein function. The variant allele was found at a frequency of 6e-05 in 249078 control chromosomes. This frequency is not significantly higher than expected for a pathogenic variant in ALMS1 causing Alstrom Syndrome With Dilated Cardiomyopathy (6e-05 vs 0.0018), allowing no conclusion about variant significance. To our knowledge, no occurrence of c.1420C>A in individuals affected with Alstrom Syndrome With Dilated Cardiomyopathy and no experimental evidence demonstrating its impact on protein function have been reported. One clinical diagnostic laboratory has submitted clinical-significance assessments for this variant to ClinVar after 2014 without evidence for independent evaluation. One laboratory classified the variant as uncertain significance. Based on the evidence outlined above, the variant was classified as uncertain significance.

NM_001378454.1(ALMS1):c.1420C>A (p.His474Asn)

Gene: ALMS1 (ALMS1 centrosome and basal body associated protein; plus strand). Cytogenetic location: 2p13.1.
Variant type: single nucleotide variant.
Coding change: c.1420C>A on transcript NM_001378454.1 (MANE Select); coding-DNA position 1420, C replaced by A.
Protein change: p.His474Asn; replaces histidine 474 with asparagine.
Molecular consequence: missense variant.
Genome position (GRCh38, 1-based): chr2:73,432,279, C>A. VCF-style: chr2-73432279-C-A. GRCh37 (hg19) VCF-style: chr2-73659407-C-A.
Other names: c.1423C>A, p.His475Asn (NM_015120.4); short protein forms H475N, H474N.
Identifiers: ClinVar variation 459855 (VCV000459855.23), dbSNP rs200454461, ClinGen allele CA1713150.
Genomic context (GRCh38, chr2:73,432,279, plus strand): 5'-CACTCTTCAGATCTCAGAATGTTGAGGATGTCTCCTGACACTGTGCCAAAGGCTCCTAAA[C>A]ATTTAAAAGCAGGTACGTAGAAAAAGGAGATAGTAAATGTCCTACTTACGGATACCTTGT-3'
Protein context (NP_001365383.1, residues 464-484): SPDTVPKAPK[His474Asn]LKAGDTSKGG